The following is an entry in ClinVar:

NM_015295.3(SMCHD1):c.3609C>G (p.Ser1203Arg)

Gene: SMCHD1 (structural maintenance of chromosomes flexible hinge domain containing 1; plus strand). Cytogenetic location: 18p11.32.
Variant type: single nucleotide variant.
Coding change: c.3609C>G on transcript NM_015295.3 (MANE Select); coding-DNA position 3609, C replaced by G.
Protein change: p.Ser1203Arg; replaces serine 1203 with arginine.
Molecular consequence: missense variant.
Genome position (GRCh38, 1-based): chr18:2,740,797, C>G. VCF-style: chr18-2740797-C-G. GRCh37 (hg19) VCF-style: chr18-2740795-C-G.
Other names: short protein forms S1203R.
Identifiers: ClinVar variation 1359900 (VCV001359900.8), dbSNP rs2143548226, ClinGen allele CA401688868.

ClinVar aggregate classification (germline): Uncertain significance (1 of 4 stars; one submission).

Conditions:
Facioscapulohumeral muscular dystrophy 2 (FSHD2). Also called: MUSCULAR DYSTROPHY, FACIOSCAPULOHUMERAL, TYPE 1B; FACIOSCAPULOHUMERAL MUSCULAR DYSTROPHY 2, DIGENIC; FSHD2, DIGENIC. Identifiers: Orphanet 269, MedGen C1834671, MONDO:0008031, OMIM 158901.

Submission:

Labcorp Genetics (formerly Invitae), Labcorp
Classification: Uncertain significance for Facioscapulohumeral muscular dystrophy 2. Last evaluated: 2022-08-16. Review status: criteria provided, single submitter. Criteria: Invitae Variant Classification Sherloc (09022015). Collection method: clinical testing. Allele origin: germline.
Comment: This sequence change replaces serine, which is neutral and polar, with arginine, which is basic and polar, at codon 1203 of the SMCHD1 protein (p.Ser1203Arg). This variant is not present in population databases (gnomAD no frequency). This variant has not been reported in the literature in individuals affected with SMCHD1-related conditions. ClinVar contains an entry for this variant (Variation ID: 1359900). Algorithms developed to predict the effect of missense changes on protein structure and function (SIFT, PolyPhen-2, Align-GVGD) all suggest that this variant is likely to be tolerated. In summary, the available evidence is currently insufficient to determine the role of this variant in disease. Therefore, it has been classified as a Variant of Uncertain Significance.